The following is an entry in ClinVar:

NM_012338.4(TSPAN12):c.5C>T (p.Ala2Val)

Gene: TSPAN12 (tetraspanin 12; minus strand). Cytogenetic location: 7q31.31.
Variant type: single nucleotide variant.
Coding change: c.5C>T on transcript NM_012338.4 (MANE Select); coding-DNA position 5, C replaced by T.
Protein change: p.Ala2Val; replaces alanine 2 with valine.
Molecular consequence: missense variant.
Genome position (GRCh38, 1-based): chr7:120,856,759, G>A on the plus strand (C>T on the coding strand, the complement: TSPAN12 is on the minus strand). VCF-style: chr7-120856759-G-A. GRCh37 (hg19) VCF-style: chr7-120496813-G-A.
Other names: c.5C>T (NM_012338.3); short protein forms A2V.
Identifiers: ClinVar variation 2147149 (VCV002147149.7), dbSNP rs201257686, ClinGen allele CA4454040.

ClinVar aggregate classification (germline): Uncertain significance. Review status: criteria provided, multiple submitters, no conflicts (2 of 4 stars). 4 submissions from 4 submitters: Uncertain significance (4). Last evaluated 2026-05-06.

Conditions:
TSPAN12-related disorder. Also called: TSPAN12-related condition.
Inborn genetic diseases. Identifiers: MedGen C0950123, MeSH D030342.

Allele frequency attached by ClinVar (database versions not stated): TOPMed 0.00001; ExAC 0.00002; gnomAD exomes 0.00002; gnomAD 0.00003; 1000 Genomes Project 30x 0.00016; 1000 Genomes Project 0.00020.
gnomAD v4.1: 37 of 1,614,142 alleles (0.0023%); highest among the groups gnomAD compares: Non-Finnish European, 0.0028%; no homozygotes.

Submissions (4):

PreventionGenetics, part of Exact Sciences
Classification: Uncertain significance for TSPAN12-related condition. Last evaluated: 2026-05-06. Review status: criteria provided, single submitter. Criteria: ACMG Guidelines, 2015. Collection method: clinical testing. Allele origin: germline.
Comment: The TSPAN12 c.5C>T variant is predicted to result in the amino acid substitution p.Ala2Val. To our knowledge, this variant has not been reported in the literature. This variant is reported in 0.0044% of alleles in individuals of European (Non-Finnish) descent in gnomAD. At this time, the clinical significance of this variant is uncertain due to the absence of conclusive functional and genetic evidence.

Labcorp Genetics (formerly Invitae), Labcorp
Classification: Uncertain significance. Last evaluated: 2025-12-15. Review status: criteria provided, single submitter. Criteria: Invitae Variant Classification Sherloc (09022015). Collection method: clinical testing. Allele origin: germline.
Comment: This sequence change replaces alanine, which is neutral and non-polar, with valine, which is neutral and non-polar, at codon 2 of the TSPAN12 protein (p.Ala2Val). This variant is present in population databases (rs201257686, gnomAD 0.004%). This variant has not been reported in the literature in individuals affected with TSPAN12-related conditions. ClinVar contains an entry for this variant (Variation ID: 2147149). An algorithm developed to predict the effect of missense changes on protein structure and function (PolyPhen-2) suggests that this variant is likely to be tolerated. In summary, the available evidence is currently insufficient to determine the role of this variant in disease. Therefore, it has been classified as a Variant of Uncertain Significance.

Ambry Genetics
Classification: Uncertain significance for Inborn genetic diseases. Last evaluated: 2025-09-25. Review status: criteria provided, single submitter. Criteria: Ambry Variant Classification Scheme 2023. Collection method: clinical testing. Allele origin: germline.

Blueprint Genetics
Classification: Uncertain significance. Last evaluated: 2022-03-22. Review status: criteria provided, single submitter. Criteria: ACMG Guidelines, 2015. Collection method: clinical testing. Allele origin: germline.